The following is an entry in ClinVar:

NM_000540.3(RYR1):c.2251G>A (p.Val751Met)

Gene: RYR1 (ryanodine receptor 1; plus strand). Cytogenetic location: 19q13.2.
Variant type: single nucleotide variant.
Coding change: c.2251G>A on transcript NM_000540.3 (MANE Select); coding-DNA position 2251, G replaced by A.
Protein change: p.Val751Met; replaces valine 751 with methionine.
Molecular consequence: missense variant.
Genome position (GRCh38, 1-based): chr19:38,459,229, G>A. VCF-style: chr19-38459229-G-A. GRCh37 (hg19) VCF-style: chr19-38949869-G-A.
Other names: c.2251G>A, p.Val751Met (NM_001042723.2); short protein forms V751M.
Identifiers: ClinVar variation 1544666 (VCV001544666.11), dbSNP rs767667578, ClinGen allele CA063052.

ClinVar aggregate classification (germline): Conflicting classifications of pathogenicity. Review status: criteria provided, conflicting classifications (1 of 4 stars). 3 submissions from 3 submitters: Uncertain significance (2); Likely benign (1). Last evaluated 2024-03-15.

Conditions:
RYR1-related disorder. Also called: RYR1-related condition; RYR1-related disorders. Identifiers: MedGen CN239331.
Malignant hyperthermia, susceptibility to, 1 (MHS1). Also called: RYR1-Related Malignant Hyperthermia Susceptibility; Anesthesia related hyperthermia; Malignant hyperpyrexia; Fulminating hyperpyrexia; Pharmacogenic myopathy; Malignant hyperthermia suceptibility 1. Identifiers: Orphanet 423, MedGen C2930980, MONDO:0007783, OMIM 145600.

Allele frequency attached by ClinVar (database versions not stated): gnomAD 0.00001; TOPMed 0.00001; gnomAD exomes 0.00003 and 0.00007; ExAC 0.00004.
gnomAD v4.1: 49 of 1,613,950 alleles (0.003%); highest among the groups gnomAD compares: South Asian, 0.044%; no homozygotes.

Submissions (3):

Labcorp Genetics (formerly Invitae), Labcorp
Classification: Likely benign for RYR1-related disorder. Last evaluated: 2024-03-15. Review status: criteria provided, single submitter. Criteria: Invitae Variant Classification Sherloc (09022015). Collection method: clinical testing. Allele origin: germline.

All of Us Research Program, National Institutes of Health
Classification: Uncertain significance for Malignant hyperthermia, susceptibility to, 1. Last evaluated: 2024-03-14. Review status: criteria provided, single submitter. Criteria: ACMG Guidelines, 2015. Collection method: clinical testing. Allele origin: germline. Inheritance: Autosomal dominant inheritance. Observed: 1 variant allele, 1 heterozygote.
Comment: This missense variant replaces valine with methionine at codon 751 of the RYR1 protein. Computational prediction suggests that this variant may not impact protein structure and function (internally defined REVEL score threshold <= 0.6, PMID: 27666373). To our knowledge, functional studies have not been reported for this variant. This variant has not been reported in individuals affected with RYR1-related disorders in the literature. This variant has been identified in 18/251422 chromosomes in the general population by the Genome Aggregation Database (gnomAD). The available evidence is insufficient to determine the role of this variant in disease conclusively. Therefore, this variant is classified as a Variant of Uncertain Significance.

This study involves interpretation of variants in research participants for the purpose of population health screening. Participant phenotype was not available at the time of variant classification. Additional details can be found in publication PMID: 35346344, PMCID: PMC8962531

Color Diagnostics, LLC DBA Color Health
Classification: Uncertain significance for Malignant hyperthermia, susceptibility to, 1. Last evaluated: 2023-11-16. Review status: criteria provided, single submitter. Criteria: ACMG Guidelines, 2015. Collection method: clinical testing. Allele origin: germline.
Comment: This missense variant replaces valine with methionine at codon 751 of the RYR1 protein. Computational prediction suggests that this variant may not impact protein structure and function (internally defined REVEL score threshold <= 0.6, PMID: 27666373). To our knowledge, functional studies have not been reported for this variant. This variant has not been reported in individuals affected with RYR1-related disorders in the literature. This variant has been identified in 18/251422 chromosomes in the general population by the Genome Aggregation Database (gnomAD). The available evidence is insufficient to determine the role of this variant in disease conclusively. Therefore, this variant is classified as a Variant of Uncertain Significance.